The following is an entry in ClinVar:

ClinVar aggregate classification (germline): Uncertain significance. Review status: criteria provided, multiple submitters, no conflicts (2 of 4 stars). 2 submissions from 2 submitters: Uncertain significance (2). Last evaluated 2025-09-01.

Conditions:
DICER1-related tumor predisposition. Also called: DICER1-related pleuropulmonary blastoma cancer predisposition syndrome; DICER1 syndrome. Identifiers: Orphanet 284343, MedGen C3839822, MONDO:0100216.
Hereditary cancer-predisposing syndrome. Also called: Hereditary neoplastic syndrome; Hereditary Cancer Syndrome; Neoplastic Syndromes, Hereditary; Tumor predisposition. Identifiers: Orphanet 140162, MedGen C0027672, MeSH D009386, MONDO:0015356.

Submissions (2):

Ambry Genetics
Classification: Uncertain significance for Hereditary cancer-predisposing syndrome. Last evaluated: 2025-09-01. Review status: criteria provided, single submitter. Criteria: Ambry Variant Classification Scheme 2023. Collection method: clinical testing. Allele origin: germline.
Comment: The p.D369A variant (also known as c.1106A>C), located in coding exon 7 of the DICER1 gene, results from an A to C substitution at nucleotide position 1106. The aspartic acid at codon 369 is replaced by alanine, an amino acid with dissimilar properties. This amino acid position is conserved. In addition, the in silico prediction for this alteration is inconclusive. Based on the available evidence, the clinical significance of this variant remains unclear.

Labcorp Genetics (formerly Invitae), Labcorp
Classification: Uncertain significance for DICER1-related tumor predisposition. Last evaluated: 2024-05-20. Review status: criteria provided, single submitter. Criteria: Invitae Variant Classification Sherloc (09022015). Collection method: clinical testing. Allele origin: germline.
Comment: This sequence change replaces aspartic acid, which is acidic and polar, with alanine, which is neutral and non-polar, at codon 369 of the DICER1 protein (p.Asp369Ala). This variant is not present in population databases (gnomAD no frequency). This variant has not been reported in the literature in individuals affected with DICER1-related conditions. Advanced modeling of protein sequence and biophysical properties (such as structural, functional, and spatial information, amino acid conservation, physicochemical variation, residue mobility, and thermodynamic stability) performed at Invitae indicates that this missense variant is not expected to disrupt DICER1 protein function with a negative predictive value of 80%. In summary, the available evidence is currently insufficient to determine the role of this variant in disease. Therefore, it has been classified as a Variant of Uncertain Significance.

NM_177438.3(DICER1):c.1106A>C (p.Asp369Ala)

Gene: DICER1 (dicer 1, ribonuclease III; minus strand). Cytogenetic location: 14q32.13.
Variant type: single nucleotide variant.
Coding change: c.1106A>C on transcript NM_177438.3 (MANE Select); coding-DNA position 1106, A replaced by C.
Protein change: p.Asp369Ala; replaces aspartic acid 369 with alanine.
Molecular consequence: missense variant. On other transcripts: 5 prime UTR variant (1), non-coding transcript variant (6).
Genome position (GRCh38, 1-based): chr14:95,124,466, T>G on the plus strand (A>C on the coding strand, the complement: DICER1 is on the minus strand). VCF-style: chr14-95124466-T-G. GRCh37 (hg19) VCF-style: chr14-95590803-T-G.
Other names: c.1106A>C, p.Asp369Ala (NM_001195573.1, NM_001271282.3, NM_001291628.2 and 15 more transcripts); c.824A>C, p.Asp275Ala (NM_001395686.1); c.701A>C, p.Asp234Ala (NM_001395687.1, NM_001395688.1, NM_001395689.1 and 3 more transcripts); c.539A>C, p.Asp180Ala (NM_001395691.1); c.-463A>C (NM_001395697.1); short protein forms D369A, D275A, D180A, D234A.
Identifiers: ClinVar variation 2861541 (VCV002861541.4), dbSNP rs1441684309, ClinGen allele CA390886949.